The following is an entry in ClinVar:

NM_017849.4(TMEM127):c.437T>C (p.Phe146Ser)

Gene: TMEM127 (transmembrane protein 127; minus strand). Cytogenetic location: 2q11.2.
Variant type: single nucleotide variant.
Coding change: c.437T>C on transcript NM_017849.4 (MANE Select); coding-DNA position 437, T replaced by C.
Protein change: p.Phe146Ser; replaces phenylalanine 146 with serine.
Molecular consequence: missense variant.
Genome position (GRCh38, 1-based): chr2:96,254,088, A>G on the plus strand (T>C on the coding strand, the complement: TMEM127 is on the minus strand). VCF-style: chr2-96254088-A-G. GRCh37 (hg19) VCF-style: chr2-96919826-A-G.
Other names: c.185T>C, p.Phe62Ser (NM_001407283.1, NM_001407282.1); c.437T>C, p.Phe146Ser (NM_001193304.3); short protein forms F146S, F62S.
Identifiers: ClinVar variation 5030912 (VCV005030912.1).

ClinVar aggregate classification (germline): Uncertain significance (1 of 4 stars; one submission).

Conditions:
Hereditary cancer-predisposing syndrome. Also called: Neoplastic Syndromes, Hereditary; Tumor predisposition; Hereditary neoplastic syndrome; Hereditary Cancer Syndrome. Identifiers: Orphanet 140162, MedGen C0027672, MeSH D009386, MONDO:0015356.

gnomAD v4.1: 1 of 1,614,182 alleles (0.000062%); highest among the groups gnomAD compares: Non-Finnish European, 0.000085%; no homozygotes.

Submission:

Ambry Genetics
Classification: Uncertain significance for Hereditary cancer-predisposing syndrome. Last evaluated: 2026-07-07. Review status: criteria provided, single submitter. Criteria: Ambry Variant Classification Scheme 2023. Collection method: clinical testing. Allele origin: germline.
Comment: The p.F146S variant (also known as c.437T>C), located in coding exon 3 of the TMEM127 gene, results from a T to C substitution at nucleotide position 437. The phenylalanine at codon 146 is replaced by serine, an amino acid with highly dissimilar properties. This amino acid position is conserved. In addition, this alteration is predicted to be deleterious by in silico analysis. Based on the available evidence, the clinical significance of this variant remains unclear.